The following is an entry in ClinVar:

ClinVar aggregate classification (germline): Pathogenic/Likely pathogenic. Review status: criteria provided, multiple submitters, no conflicts (2 of 4 stars). 2 submissions from 2 submitters: Pathogenic (1); Likely pathogenic (1). Last evaluated 2025-07-24.

Conditions:
EXT1-related disorders.
Multiple congenital exostosis (EXT). Also called: Multiple osteochondromas; MULTIPLE CARTILAGINOUS EXOSTOSES; Multiple exostoses; Hereditary multiple exostoses; Hereditary multiple exostosis; Hereditary multiple osteochondromas. Identifiers: Orphanet 321, MedGen C0015306, MONDO:0005508, HP:0002762.

Submissions (2):

Labcorp Genetics (formerly Invitae), Labcorp
Classification: Pathogenic for Multiple congenital exostosis. Last evaluated: 2025-07-24. Review status: criteria provided, single submitter. Criteria: Invitae Variant Classification Sherloc (09022015). Collection method: clinical testing. Allele origin: germline.
Comment: This sequence change creates a premature translational stop signal (p.Arg86*) in the EXT1 gene. It is expected to result in an absent or disrupted protein product. Loss-of-function variants in EXT1 are known to be pathogenic (PMID: 10679937, 11391482, 19810120). This variant is not present in population databases (gnomAD no frequency). This variant has not been reported in the literature in individuals affected with EXT1-related conditions. ClinVar contains an entry for this variant (Variation ID: 2110297). For these reasons, this variant has been classified as Pathogenic.

Blueprint Genetics
Classification: Likely pathogenic for EXT1-related disorders. Last evaluated: 2018-08-23. Review status: criteria provided, single submitter. Criteria: ACMG Guidelines, 2015. Collection method: clinical testing. Allele origin: germline. Affected: yes. Observed: 1 variant allele.

Literature cited by the submitters: PubMed 10679937 (cited by Labcorp Genetics (formerly Invitae), Labcorp); PubMed 11391482 (cited by Labcorp Genetics (formerly Invitae), Labcorp); PubMed 19810120 (cited by Labcorp Genetics (formerly Invitae), Labcorp).

NM_000127.3(EXT1):c.256C>T (p.Arg86Ter)

Gene: EXT1 (exostosin glycosyltransferase 1; minus strand). Cytogenetic location: 8q24.11.
Variant type: single nucleotide variant.
Coding change: c.256C>T on transcript NM_000127.3 (MANE Select); coding-DNA position 256, C replaced by T.
Protein change: p.Arg86Ter; replaces arginine 86 with a stop codon.
Molecular consequence: nonsense.
Genome position (GRCh38, 1-based): chr8:118,110,791, G>A on the plus strand (C>T on the coding strand, the complement: EXT1 is on the minus strand). VCF-style: chr8-118110791-G-A. GRCh37 (hg19) VCF-style: chr8-119123030-G-A.
Other names: short protein forms R86*.
Identifiers: ClinVar variation 2110297 (VCV002110297.5), dbSNP rs760899584, ClinGen allele CA371916267.